The following is an entry in ClinVar:

NM_002755.4(MAP2K1):c.991A>G (p.Ser331Gly)

Gene: MAP2K1 (mitogen-activated protein kinase kinase 1; plus strand). Cytogenetic location: 15q22.31.
Variant type: single nucleotide variant.
Coding change: c.991A>G on transcript NM_002755.4 (MANE Select); coding-DNA position 991, A replaced by G.
Protein change: p.Ser331Gly; replaces serine 331 with glycine.
Molecular consequence: missense variant.
Genome position (GRCh38, 1-based): chr15:66,489,245, A>G. VCF-style: chr15-66489245-A-G. GRCh37 (hg19) VCF-style: chr15-66781583-A-G.
Other names: c.847A>G, p.Ser283Gly (NM_001411065.1); short protein forms S283G, S331G.
Identifiers: ClinVar variation 2502775 (VCV002502775.1), dbSNP rs2545106640, ClinGen allele CA392938242.

ClinVar aggregate classification (germline): Uncertain significance (1 of 4 stars; one submission).

Submission:

GeneDx
Classification: Uncertain significance. Last evaluated: 2022-11-19. Review status: criteria provided, single submitter. Criteria: GeneDx Variant Classification Process June 2021. Collection method: clinical testing. Allele origin: germline. Affected: yes.
Comment: Not observed at significant frequency in large population cohorts (gnomAD); Missense variants in this gene are often considered pathogenic (HGMD); In silico analysis supports that this missense variant has a deleterious effect on protein structure/function; Has not been previously published as pathogenic or benign to our knowledge